The following is an entry in ClinVar:

ClinVar aggregate classification (germline): Pathogenic (1 of 4 stars; one submission).

Conditions:
Nemaline myopathy 2 (NEM2). Also called: Nemaline myopathy 2, autosomal recessive. Identifiers: MedGen C1850569, MONDO:0009725, OMIM 256030.

Submission:

Labcorp Genetics (formerly Invitae), Labcorp
Classification: Pathogenic for Nemaline myopathy 2. Last evaluated: 2020-01-03. Review status: criteria provided, single submitter. Criteria: Invitae Variant Classification Sherloc (09022015). Collection method: clinical testing. Allele origin: germline.
Comment: This variant is an in-frame deletion of the genomic region encompassing exon 55 of the NEB gene. It preserves the integrity of the reading frame. This is a common pathogenic variant among individuals of Ashkenazi Jewish ancestry with a carrier frequency of 1/108 (~0.9%) (PMID: 15221447, 19232495). Experimental studies have shown that mice homozygous for this variant display a phenotype that resembles nemaline myopathy including severe muscle weakness and the presence of nemaline bodies in muscle biopsies (PMID: 23715096). For these reasons, this variant has been classified as Pathogenic.

Literature cited by the submitters: PubMed 15221447; PubMed 23715096; PubMed 19232495.

NC_000002.12:g.(?_151646120)_(151646244_?)del

Gene: NEB (nebulin; minus strand). Cytogenetic location: 2q23.3.
Variant type: Deletion.
Identifiers: ClinVar variation 652395 (VCV000652395.2).